The following is an entry in ClinVar:

ClinVar aggregate classification (germline): drug response (0 of 4 stars; one submission).

Conditions:
Letrozole response. Identifiers: MedGen CN298326.

Allele frequency attached by ClinVar (database versions not stated): gnomAD 0.21657; TOPMed 0.23407; 1000 Genomes Project 0.25519; 1000 Genomes Project 30x 0.25937.

Submission:

Department of Medical Oncology, IRCCS Ospedale Policlinico San Martino
Classification: drug response for letrozole response. Last evaluated: 2023-05-01. Review status: no assertion criteria provided. Collection method: research. Allele origin: germline. Affected: yes. Observed: 151 variant alleles.
Comment: This variant has been evaluated in 886 european women with hormone receptor-positive, early-stage breast cancer treated with adjuvant hormone therapy with letrozole. The minor T allele was found to be associated with 1) increased cumulative incidence of distant metastasis, 2) decreased overall survival, 3) descreased cumulative incidence of bone fractures (which is a letrozole-related adverse event)

NC_000006.12:g.91688947T>C

Gene: CASC6 (cancer susceptibility 6; minus strand). Cytogenetic location: 6q15.
Variant type: single nucleotide variant.
Genome position: GRCh38 VCF-style: chr6-91688947-T-C. GRCh37 (hg19) VCF-style: chr6-92398665-T-C.
Identifiers: ClinVar variation 2581078 (VCV002581078.2), dbSNP rs479292, ClinGen allele CA143525418.